The following is an entry in ClinVar:

ClinVar aggregate classification (germline): Uncertain significance (1 of 4 stars; one submission).

Conditions:
Retinitis pigmentosa 43 (RP43). Identifiers: Orphanet 791, MedGen C3151139, MONDO:0013437, OMIM 613810.

Submission:

ARUP Laboratories, Molecular Genetics and Genomics, ARUP Laboratories
Classification: Uncertain significance for Retinitis pigmentosa 43. Last evaluated: 2019-02-15. Review status: criteria provided, single submitter. Criteria: ARUP Molecular Germline Variant Investigation Process. Collection method: clinical testing. Allele origin: germline.
Comment: The PDE6A c.2098T>C; p.Tyr700His variant, to our knowledge, is not reported in the medical literature or gene-specific databases. This variant is also absent from general population databases (Exome Variant Server, Genome Aggregation Database), indicating it is not a common polymorphism. The tyrosine at codon 700 is highly conserved, but computational analyses (SIFT: damaging, PolyPhen-2: benign) predict conflicting effects of this variant on protein structure/function. Due to limited information, the clinical significance of the p.Tyr700His variant is uncertain at this time.

NM_000440.3(PDE6A):c.2098T>C (p.Tyr700His)

Gene: PDE6A (phosphodiesterase 6A; minus strand). Cytogenetic location: 5q32.
Variant type: single nucleotide variant.
Coding change: c.2098T>C on transcript NM_000440.3 (MANE Select); coding-DNA position 2098, T replaced by C.
Protein change: p.Tyr700His; replaces tyrosine 700 with histidine.
Molecular consequence: missense variant.
Genome position (GRCh38, 1-based): chr5:149,883,466, A>G on the plus strand (T>C on the coding strand, the complement: PDE6A is on the minus strand). VCF-style: chr5-149883466-A-G. GRCh37 (hg19) VCF-style: chr5-149263029-A-G.
Other names: short protein forms Y700H.
Identifiers: ClinVar variation 811895 (VCV000811895.8), dbSNP rs1581164903, ClinGen allele CA361692381.